The following is an entry in ClinVar:

NM_001282225.2(ADA2):c.10G>A (p.Asp4Asn)

Gene: ADA2 (adenosine deaminase 2; minus strand). Cytogenetic location: 22q11.1.
Variant type: single nucleotide variant.
Coding change: c.10G>A on transcript NM_001282225.2 (MANE Select); coding-DNA position 10, G replaced by A.
Protein change: p.Asp4Asn; replaces aspartic acid 4 with asparagine.
Molecular consequence: missense variant. On other transcripts: intron variant (3).
Genome position (GRCh38, 1-based): chr22:17,209,668, C>T on the plus strand (G>A on the coding strand, the complement: ADA2 is on the minus strand). VCF-style: chr22-17209668-C-T. GRCh37 (hg19) VCF-style: chr22-17690558-C-T.
Other names: c.10G>A, p.Asp4Asn (NM_001282226.2); c.-47-70G>A (NM_001282227.2, NM_001282228.2); c.-38-2378G>A (NM_001282229.2); short protein forms D4N.
Identifiers: ClinVar variation 953717 (VCV000953717.8), dbSNP rs370257828, ClinGen allele CA10088362.

ClinVar aggregate classification (germline): Uncertain significance. Review status: criteria provided, multiple submitters, no conflicts (2 of 4 stars). 2 submissions from 2 submitters: Uncertain significance (2). Last evaluated 2025-01-23.

Conditions:
Deficiency of adenosine deaminase 2. Also called: Polyarteritis nodosa, childhoood-onset; Adenosine Deaminase 2 Deficiency; VASCULITIS, AUTOINFLAMMATION, IMMUNODEFICIENCY, AND HEMATOLOGIC DEFECTS SYNDROME. Identifiers: Orphanet 404553, MedGen C3887654, MONDO:0014306, OMIM 615688, MONDO:0100317.
Sneddon syndrome (SNDNS). Also called: Idiopathic livedo reticularis with systemic involvement; LIVEDO RETICULARIS AND CEREBROVASCULAR ACCIDENTS. Identifiers: Orphanet 820, MedGen C0282492, MONDO:0008436, OMIM 182410.

Allele frequency attached by ClinVar (database versions not stated): gnomAD 0.00001; TOPMed 0.00001; ExAC 0.00009; gnomAD exomes 0.00009.
gnomAD v4.1: 27 of 1,611,754 alleles (0.0017%); highest among the groups gnomAD compares: East Asian, 0.038%; no homozygotes.

Submissions (2):

Labcorp Genetics (formerly Invitae), Labcorp
Classification: Uncertain significance for Deficiency of adenosine deaminase 2. Last evaluated: 2025-01-23. Review status: criteria provided, single submitter. Criteria: Invitae Variant Classification Sherloc (09022015). Collection method: clinical testing. Allele origin: germline.
Comment: This sequence change replaces aspartic acid, which is acidic and polar, with asparagine, which is neutral and polar, at codon 4 of the ADA2 protein (p.Asp4Asn). This variant is present in population databases (rs370257828, gnomAD 0.1%). This variant has not been reported in the literature in individuals affected with ADA2-related conditions. ClinVar contains an entry for this variant (Variation ID: 953717). An algorithm developed to predict the effect of missense changes on protein structure and function (PolyPhen-2) suggests that this variant¬†is likely to be tolerated. In summary, the available evidence is currently insufficient to determine the role of this variant in disease. Therefore, it has been classified as a Variant of Uncertain Significance.

Fulgent Genetics
Classification: Uncertain significance for Sneddon syndrome; Deficiency of adenosine deaminase 2. Last evaluated: 2022-05-03. Review status: criteria provided, single submitter. Criteria: ACMG Guidelines, 2015. Collection method: clinical testing. Allele origin: unknown.